The following is an entry in ClinVar:

ClinVar aggregate classification (germline): Pathogenic. Review status: criteria provided, multiple submitters, no conflicts (2 of 4 stars). 2 submissions from 2 submitters: Pathogenic (2). Last evaluated 2022-05-12.

Conditions:
Progressive external ophthalmoplegia with mitochondrial DNA deletions, autosomal dominant 1 (PEOA1). Also called: PROGRESSIVE EXTERNAL OPHTHALMOPLEGIA, AUTOSOMAL DOMINANT 1; Autosomal Dominant Progressive External Ophthalmoplegia (adPEO). Identifiers: MedGen C1834846, MONDO:0024528, OMIM 157640.

Submissions (2):

Labcorp Genetics (formerly Invitae), Labcorp
Classification: Pathogenic. Last evaluated: 2022-05-12. Review status: criteria provided, single submitter. Criteria: Invitae Variant Classification Sherloc (09022015). Collection method: clinical testing. Allele origin: germline.
Comment: This missense change has been observed in individuals with autosomal dominant progressive external ophthalmoplegia with mitochondrial DNA deletions (PMID: 11431692; Invitae). This sequence change replaces tryptophan, which is neutral and slightly polar, with cysteine, which is neutral and slightly polar, at codon 474 of the TWNK protein (p.Trp474Cys). This variant is not present in population databases (gnomAD no frequency). ClinVar contains an entry for this variant (Variation ID: 694438). Advanced modeling of protein sequence and biophysical properties (such as structural, functional, and spatial information, amino acid conservation, physicochemical variation, residue mobility, and thermodynamic stability) performed at Invitae indicates that this missense variant is expected to disrupt TWNK protein function. Experimental studies have shown that this missense change affects TWNK function (PMID: 18971204, 20659899). This variant disrupts the p.Trp474 amino acid residue in TWNK. Other variant(s) that disrupt this residue have been determined to be pathogenic (PMID: 18575922). This suggests that this residue is clinically significant, and that variants that disrupt this residue are likely to be disease-causing. For these reasons, this variant has been classified as Pathogenic.

Laboratory of Inherited Metabolic Diseases, Research centre for medical genetics
Classification: Pathogenic for Progressive external ophthalmoplegia with mitochondrial DNA deletions, autosomal dominant 1. Last evaluated: 2019-07-17. Review status: criteria provided, single submitter. Criteria: ACMG Guidelines, 2015. Collection method: clinical testing. Allele origin: germline. Inheritance: Autosomal dominant inheritance. Affected: yes.

Literature cited by the submitters: PubMed 11431692 (cited by Labcorp Genetics (formerly Invitae), Labcorp); PubMed 18971204 (cited by Labcorp Genetics (formerly Invitae), Labcorp); PubMed 20659899 (cited by Labcorp Genetics (formerly Invitae), Labcorp); PubMed 18575922 (cited by Labcorp Genetics (formerly Invitae), Labcorp).

NM_021830.5(TWNK):c.1422G>C (p.Trp474Cys)

Gene: TWNK (twinkle mtDNA helicase; plus strand). Cytogenetic location: 10q24.31.
Variant type: single nucleotide variant.
Coding change: c.1422G>C on transcript NM_021830.5 (MANE Select); coding-DNA position 1422, G replaced by C.
Protein change: p.Trp474Cys; replaces tryptophan 474 with cysteine.
Molecular consequence: missense variant. On other transcripts: non-coding transcript variant (5).
Genome position (GRCh38, 1-based): chr10:100,989,822, G>C. VCF-style: chr10-100989822-G-C. GRCh37 (hg19) VCF-style: chr10-102749579-G-C.
Other names: c.1422G>C, p.Trp474Cys (NM_001163812.2); c.60G>C, p.Trp20Cys (NM_001163813.2, NM_001163814.2, NM_001368275.1); short protein forms W20C, W474C.
Identifiers: ClinVar variation 694438 (VCV000694438.5), dbSNP rs111033574, ClinGen allele CA378210872.
Genomic context (GRCh38, chr10:100,989,822, plus strand): 5'-CATGCTGACACAGTTTGCCGAGGGGCGGCTGGAAGATCAACTGGACAAATATGATCACTG[G>C]GCTGACCGCTTTGAGGACCTGCCCCTCTATTTCATGACTTTCCATGGACAGCAAAGCATC-3'
Protein context (NP_068602.2, residues 464-484): LEDQLDKYDH[Trp474Cys]ADRFEDLPLY